The following is an entry in ClinVar:

NM_001323289.2(CDKL5):c.145+1G>A

Gene: CDKL5 (cyclin dependent kinase like 5; plus strand). Cytogenetic location: Xp22.13.
Variant type: single nucleotide variant.
Coding change: c.145+1G>A on transcript NM_001323289.2 (MANE Select); the canonical splice donor site of the intron after coding-DNA position 145, G replaced by A.
Molecular consequence: splice donor variant.
Genome position (GRCh38, 1-based): chrX:18,564,523, G>A. VCF-style: chrX-18564523-G-A. GRCh37 (hg19) VCF-style: chrX-18582643-G-A.
Other names: c.145+1G>A (NM_003159.3, NM_001037343.2).
Identifiers: ClinVar variation 1685605 (VCV001685605.5), dbSNP rs2147132274, ClinGen allele CA412346764.

ClinVar aggregate classification (germline): Pathogenic/Likely pathogenic. Review status: criteria provided, multiple submitters, no conflicts (2 of 4 stars). 3 submissions from 3 submitters: Pathogenic (2); Likely pathogenic (1). Last evaluated 2025-09-26.

Conditions:
Developmental and epileptic encephalopathy, 2 (DEE2). Also called: CDKL5 deficiency disorder; INFANTILE SPASM SYNDROME, X-LINKED 2. Identifiers: Orphanet 1934, Orphanet 3451, Orphanet 505652, MedGen C4750718, MONDO:0010396, OMIM 300672.
Angelman syndrome-like. Identifiers: MedGen CN128785.

Submissions (3):

GeneDx
Classification: Pathogenic. Last evaluated: 2025-09-26. Review status: criteria provided, single submitter. Criteria: GeneDx Variant Classification Process June 2021. Collection method: clinical testing. Allele origin: germline.
Comment: Canonical splice site variant predicted to result in a null allele in a gene for which loss of function is a known mechanism of disease; Not observed at significant frequency in large population cohorts (gnomAD); Has not been previously published as pathogenic or benign to our knowledge

Labcorp Genetics (formerly Invitae), Labcorp
Classification: Likely pathogenic for Developmental and epileptic encephalopathy, 2; Angelman syndrome-like. Last evaluated: 2024-04-03. Review status: criteria provided, single submitter. Criteria: Invitae Variant Classification Sherloc (09022015). Collection method: clinical testing. Allele origin: germline.
Comment: This sequence change affects a donor splice site in intron 4 of the CDKL5 gene. It is expected to disrupt RNA splicing. Variants that disrupt the donor or acceptor splice site typically lead to a loss of protein function (PMID: 16199547), and loss-of-function variants in CDKL5 are known to be pathogenic (PMID: 22872100). This variant is not present in population databases (gnomAD no frequency). This variant has not been reported in the literature in individuals affected with CDKL5-related conditions. ClinVar contains an entry for this variant (Variation ID: 1685605). Algorithms developed to predict the effect of sequence changes on RNA splicing suggest that this variant may disrupt the consensus splice site. In summary, the currently available evidence indicates that the variant is pathogenic, but additional data are needed to prove that conclusively. Therefore, this variant has been classified as Likely Pathogenic.

Mendelics
Classification: Pathogenic for Developmental and epileptic encephalopathy, 2. Last evaluated: 2022-05-04. Review status: criteria provided, single submitter. Criteria: Mendelics Assertion Criteria 2019. Collection method: clinical testing. Allele origin: germline.

Literature cited by the submitters: PubMed 16199547 (cited by Labcorp Genetics (formerly Invitae), Labcorp); PubMed 22872100 (cited by Labcorp Genetics (formerly Invitae), Labcorp).